The following is an entry in ClinVar:

ClinVar aggregate classification (germline): Likely pathogenic (1 of 4 stars; one submission).

Submission:

GeneDx
Classification: Likely pathogenic. Last evaluated: 2017-11-21. Review status: criteria provided, single submitter. Criteria: GeneDx Variant Classification (06012015). Collection method: clinical testing. Allele origin: germline. Affected: yes.
Comment: The c.3361delC variant in the SETD5 gene has not been reported previously as a pathogenic variant nor as a benign variant, to our knowledge. The c.3361delC variant causes a frameshift starting with codon Arginine 1121, changes this amino acid to a Glutamic Acid residue, and creates a premature Stop codon at position 23 of the new reading frame, denoted p.Arg1121GlufsX23. This variant is predicted to cause loss of normal protein function either through protein truncation or nonsense-mediated mRNA decay. The c.3361delC variant is not observed in large population cohorts (Lek et al., 2016). We interpret c.3361delC as a likely pathogenic variant.

NM_001080517.3(SETD5):c.3361del (p.Arg1121fs)

Gene: SETD5 (SET domain containing 5; plus strand). Cytogenetic location: 3p25.3.
Variant type: Deletion.
Coding change: c.3361del on transcript NM_001080517.3 (MANE Select); coding-DNA position 3361, one base deleted (C; older notation c.3361delC).
Protein change: p.Arg1121fs; shifts the reading frame from arginine 1121.
Molecular consequence: frameshift variant.
Genome position (GRCh38, 1-based): chr3:9,473,401, C deleted; the last of 3 consecutive C bases (chr3:9,473,399-9,473,401); deleting any one gives the same sequence. VCF-style (leftmost placement, unchanged base first): chr3-9473398-GC-G. GRCh37 (hg19) VCF-style: chr3-9515082-GC-G.
Other names: c.3067del, p.Arg1023fs (NM_001292043.2, NM_001349451.2); short protein forms R1023fs, R1121fs.
Identifiers: ClinVar variation 503825 (VCV000503825.2), dbSNP rs1553640320, ClinGen allele CA658796228.